The following is an entry in ClinVar:

NM_001211.6(BUB1B):c.3025G>T (p.Val1009Leu)

Genes: BUB1B (BUB1 mitotic checkpoint serine/threonine kinase B; plus strand), BUB1B-PAK6 (BUB1B-PAK6 readthrough; plus strand). Cytogenetic location: 15q15.1.
Variant type: single nucleotide variant.
Coding change: c.3025G>T on transcript NM_001211.6 (MANE Select); coding-DNA position 3025, G replaced by T.
Protein change: p.Val1009Leu; replaces valine 1009 with leucine.
Molecular consequence: missense variant. On other transcripts: intron variant (2).
Genome position (GRCh38, 1-based): chr15:40,220,631, G>T. VCF-style: chr15-40220631-G-T. GRCh37 (hg19) VCF-style: chr15-40512832-G-T.
Other names: c.-201+2964G>T (NM_001128628.3); c.-118+2964G>T (NM_001128629.3); short protein forms V1009L.
Identifiers: ClinVar variation 3262264 (VCV003262264.1).

ClinVar aggregate classification (germline): Uncertain significance (1 of 4 stars; one submission).

Conditions:
Inborn genetic diseases. Identifiers: MedGen C0950123, MeSH D030342.

gnomAD v4.1: 3 of 1,614,218 alleles (0.00019%); highest among the groups gnomAD compares: Non-Finnish European, 0.00025%; no homozygotes.

Submission:

Ambry Genetics
Classification: Uncertain significance for Inborn genetic diseases. Last evaluated: 2024-05-18. Review status: criteria provided, single submitter. Criteria: Ambry Variant Classification Scheme 2023. Collection method: clinical testing. Allele origin: germline.
Comment: The p.V1009L variant (also known as c.3025G>T), located in coding exon 23 of the BUB1B gene, results from a G to T substitution at nucleotide position 3025. The valine at codon 1009 is replaced by leucine, an amino acid with highly similar properties. This amino acid position is conserved. In addition, this alteration is predicted to be tolerated by in silico analysis. Based on the available evidence, the clinical significance of this variant remains unclear.